The following is an entry in ClinVar:

ClinVar aggregate classification (germline): Uncertain significance (1 of 4 stars; one submission).

Conditions:
Hypertrophic cardiomyopathy 26. Also called: Cardiomyopathy, familial hypertrophic, 26. Identifiers: Orphanet 75249, MedGen C4310749, MONDO:0014883, OMIM 617047.
Myofibrillar myopathy 5. Also called: Filaminopathy (type); FILAMINOPATHY, AUTOSOMAL DOMINANT. Identifiers: Orphanet 171445, MedGen C1836050, MONDO:0012289, OMIM 609524.
Distal myopathy with posterior leg and anterior hand involvement. Also called: WILLIAMS DISTAL MYOPATHY. Identifiers: Orphanet 63273, MedGen C3279722, MONDO:0013550, OMIM 614065.

Submission:

Labcorp Genetics (formerly Invitae), Labcorp
Classification: Uncertain significance for Distal myopathy with posterior leg and anterior hand involvement; Myofibrillar myopathy 5; Hypertrophic cardiomyopathy 26. Last evaluated: 2023-10-14. Review status: criteria provided, single submitter. Criteria: Invitae Variant Classification Sherloc (09022015). Collection method: clinical testing. Allele origin: germline.
Comment: This sequence change replaces aspartic acid, which is acidic and polar, with alanine, which is neutral and non-polar, at codon 66 of the FLNC protein (p.Asp66Ala). This variant is not present in population databases (gnomAD no frequency). This variant has not been reported in the literature in individuals affected with FLNC-related conditions. Advanced modeling of protein sequence and biophysical properties (such as structural, functional, and spatial information, amino acid conservation, physicochemical variation, residue mobility, and thermodynamic stability) has been performed at Invitae for this missense variant, however the output from this modeling did not meet the statistical confidence thresholds required to predict the impact of this variant on FLNC protein function. In summary, the available evidence is currently insufficient to determine the role of this variant in disease. Therefore, it has been classified as a Variant of Uncertain Significance.

NM_001458.5(FLNC):c.197A>C (p.Asp66Ala)

Gene: FLNC (filamin C; plus strand). Cytogenetic location: 7q32.1.
Variant type: single nucleotide variant.
Coding change: c.197A>C on transcript NM_001458.5 (MANE Select); coding-DNA position 197, A replaced by C.
Protein change: p.Asp66Ala; replaces aspartic acid 66 with alanine.
Molecular consequence: missense variant.
Genome position (GRCh38, 1-based): chr7:128,830,834, A>C. VCF-style: chr7-128830834-A-C. GRCh37 (hg19) VCF-style: chr7-128470888-A-C.
Other names: c.197A>C, p.Asp66Ala (NM_001127487.2); short protein forms D66A.
Identifiers: ClinVar variation 2943386 (VCV002943386.3), dbSNP rs2128932174, ClinGen allele CA369216284.